The following is an entry in ClinVar:

NM_001429.4(EP300):c.6045G>T (p.Met2015Ile)

Gene: EP300 (EP300 lysine acetyltransferase; plus strand). Cytogenetic location: 22q13.2.
Variant type: single nucleotide variant.
Coding change: c.6045G>T on transcript NM_001429.4 (MANE Select); coding-DNA position 6045, G replaced by T.
Protein change: p.Met2015Ile; replaces methionine 2015 with isoleucine.
Molecular consequence: missense variant.
Genome position (GRCh38, 1-based): chr22:41,177,756, G>T. VCF-style: chr22-41177756-G-T. GRCh37 (hg19) VCF-style: chr22-41573760-G-T.
Other names: c.5967G>T, p.Met1989Ile (NM_001362843.2); short protein forms M1989I, M2015I.
Identifiers: ClinVar variation 2723832 (VCV002723832.3), dbSNP rs753072432, ClinGen allele CA324518842.

ClinVar aggregate classification (germline): Uncertain significance (1 of 4 stars; one submission).

Conditions:
Rubinstein-Taybi syndrome due to EP300 haploinsufficiency. Also called: RUBINSTEIN-TAYBI SYNDROME 2; EP300-Related Rubinstein-Taybi Syndrome. Identifiers: Orphanet 353284, Orphanet 783, MedGen C3150941, MONDO:0013364, OMIM 613684.

gnomAD v4.1: 20 of 1,613,812 alleles (0.0012%); highest among the groups gnomAD compares: African/African-American, 0.0027%; no homozygotes.

Submission:

Labcorp Genetics (formerly Invitae), Labcorp
Classification: Uncertain significance for Rubinstein-Taybi syndrome due to EP300 haploinsufficiency. Last evaluated: 2023-12-08. Review status: criteria provided, single submitter. Criteria: Invitae Variant Classification Sherloc (09022015). Collection method: clinical testing. Allele origin: germline.
Comment: This sequence change replaces methionine, which is neutral and non-polar, with isoleucine, which is neutral and non-polar, at codon 2015 of the EP300 protein (p.Met2015Ile). This variant is present in population databases (no rsID available, gnomAD 0.004%). This variant has not been reported in the literature in individuals affected with EP300-related conditions. Advanced modeling of protein sequence and biophysical properties (such as structural, functional, and spatial information, amino acid conservation, physicochemical variation, residue mobility, and thermodynamic stability) performed at Invitae indicates that this missense variant is not expected to disrupt EP300 protein function with a negative predictive value of 95%. In summary, the available evidence is currently insufficient to determine the role of this variant in disease. Therefore, it has been classified as a Variant of Uncertain Significance.